The following is an entry in ClinVar:

ClinVar aggregate classification (germline): Pathogenic (1 of 4 stars; one submission).

Conditions:
Pitt-Hopkins-like syndrome 2 (PTHSL2). Identifiers: Orphanet 221150, Orphanet 600663, MedGen C3280479, MONDO:0013690, OMIM 614325.

Submission:

Labcorp Genetics (formerly Invitae), Labcorp
Classification: Pathogenic for Pitt-Hopkins-like syndrome 2. Last evaluated: 2017-09-20. Review status: criteria provided, single submitter. Criteria: Invitae Variant Classification Sherloc (09022015). Collection method: clinical testing. Allele origin: germline.
Comment: For these reasons, this variant has been classified as Pathogenic. Loss-of-function variants in NRXN1 are known to be pathogenic (PMID: 19896112, 21964664, 25149956). This variant has not been reported in the literature in individuals with NRXN1-related disease. This variant is an out-of-frame deletion of the genomic region encompassing exons 21-22 of the NRXN1 gene. This is expected to create a premature translational stop signal and result in an absent or disrupted protein product.

Literature cited by the submitters: PubMed 19896112; PubMed 21964664; PubMed 25149956.

NC_000002.12:g.(?_50053251)_(50055064_?)del

Gene: NRXN1 (neurexin 1; minus strand). Cytogenetic location: 2p16.3.
Variant type: Deletion.
Identifiers: ClinVar variation 539897 (VCV000539897.3).